The following is an entry in ClinVar:

NM_182914.3(SYNE2):c.8798A>G (p.Asn2933Ser)

Gene: SYNE2 (spectrin repeat containing nuclear envelope protein 2; plus strand). Cytogenetic location: 14q23.2.
Variant type: single nucleotide variant.
Coding change: c.8798A>G on transcript NM_182914.3 (MANE Select); coding-DNA position 8798, A replaced by G.
Protein change: p.Asn2933Ser; replaces asparagine 2933 with serine.
Molecular consequence: missense variant.
Genome position (GRCh38, 1-based): chr14:64,052,711, A>G. VCF-style: chr14-64052711-A-G. GRCh37 (hg19) VCF-style: chr14-64519429-A-G.
Other names: c.8798A>G, p.Asn2933Ser (NM_015180.6); short protein forms N2933S.
Identifiers: ClinVar variation 2955577 (VCV002955577.1), dbSNP rs745968795, ClinGen allele CA7221159.

ClinVar aggregate classification (germline): Uncertain significance (1 of 4 stars; one submission).

Conditions:
Emery-Dreifuss muscular dystrophy 5, autosomal dominant (EDMD5). Also called: EMERY-DREIFUSS MUSCULAR DYSTROPHY 5. Identifiers: Orphanet 261, MedGen C2751805, MONDO:0013072, OMIM 612999.

Allele frequency attached by ClinVar (database versions not stated): gnomAD 0.00001; ExAC 0.00003.
gnomAD v4.1: 23 of 1,613,746 alleles (0.0014%); highest among the groups gnomAD compares: Non-Finnish European, 0.0015%; no homozygotes.

Submission:

Labcorp Genetics (formerly Invitae), Labcorp
Classification: Uncertain significance for Emery-Dreifuss muscular dystrophy 5, autosomal dominant. Last evaluated: 2023-08-01. Review status: criteria provided, single submitter. Criteria: Invitae Variant Classification Sherloc (09022015). Collection method: clinical testing. Allele origin: germline.
Comment: In summary, the available evidence is currently insufficient to determine the role of this variant in disease. Therefore, it has been classified as a Variant of Uncertain Significance. Algorithms developed to predict the effect of missense changes on protein structure and function output the following: SIFT: "Not Available"; PolyPhen-2: "Benign"; Align-GVGD: "Not Available". The serine amino acid residue is found in multiple mammalian species, which suggests that this missense change does not adversely affect protein function. This variant has not been reported in the literature in individuals affected with SYNE2-related conditions. This variant is present in population databases (rs745968795, gnomAD 0.01%). This sequence change replaces asparagine, which is neutral and polar, with serine, which is neutral and polar, at codon 2933 of the SYNE2 protein (p.Asn2933Ser).